The following is an entry in ClinVar:

ClinVar aggregate classification (germline): Uncertain significance (1 of 4 stars; one submission).

Submission:

GeneDx
Classification: Uncertain significance. Last evaluated: 2023-08-29. Review status: criteria provided, single submitter. Criteria: GeneDx Variant Classification Process June 2021. Collection method: clinical testing. Allele origin: germline. Affected: yes.
Comment: Not observed at significant frequency in large population cohorts (gnomAD); In-frame deletion of 1 amino acid in a non-repeat region; In silico analysis supports a deleterious effect on protein structure/function; Has not been previously reported as a pathogenic or benign germline variant to our knowledge; This variant is associated with the following publications: (PMID: 24755471)

NM_021096.4(CACNA1I):c.3946TTC[1] (p.Phe1317del)

Gene: CACNA1I (calcium voltage-gated channel subunit alpha1 I; plus strand). Cytogenetic location: 22q13.1.
Variant type: Microsatellite.
Coding change: c.3946TTC[1] on transcript NM_021096.4 (MANE Select); one copy of the 3-base unit TTC starting at c.3946; the reference has two copies in a row; one copy, 3 bases deleted.
Protein change: p.Phe1317del; deletes phenylalanine 1317.
Molecular consequence: inframe deletion.
Genome position (GRCh38, 1-based): chr22:39,665,595-39,665,597, TTC deleted; deleting any 3 consecutive bases within chr22:39,665,591-39,665,597 gives the same sequence; the position shown is the placement nearest the transcript's 3' end. VCF-style (leftmost placement, unchanged base first): chr22-39665590-CCTT-C. GRCh37 (hg19) VCF-style: chr22-40061595-CCTT-C.
Other names: c.3841TTC[1], p.Phe1282del (NM_001003406.2); short protein forms F1282del, F1317del.
Identifiers: ClinVar variation 2504205 (VCV002504205.3), dbSNP rs2518173624, ClinGen allele CA645612269.